The following is an entry in ClinVar:

ClinVar aggregate classification (germline): Uncertain significance (1 of 4 stars; one submission).

Submission:

Labcorp Genetics (formerly Invitae), Labcorp
Classification: Uncertain significance. Last evaluated: 2022-03-01. Review status: criteria provided, single submitter. Criteria: Invitae Variant Classification Sherloc (09022015). Collection method: clinical testing. Allele origin: germline.
Comment: This sequence change replaces glycine, which is neutral and non-polar, with cysteine, which is neutral and slightly polar, at codon 102 of the ISCA2 protein (p.Gly102Cys). This variant is not present in population databases (gnomAD no frequency). This variant has not been reported in the literature in individuals affected with ISCA2-related conditions. Algorithms developed to predict the effect of missense changes on protein structure and function are either unavailable or do not agree on the potential impact of this missense change (SIFT: "Deleterious"; PolyPhen-2: "Probably Damaging"; Align-GVGD: "Class C15"). In summary, the available evidence is currently insufficient to determine the role of this variant in disease. Therefore, it has been classified as a Variant of Uncertain Significance.

NM_194279.4(ISCA2):c.304G>T (p.Gly102Cys)

Gene: ISCA2 (iron-sulfur cluster assembly 2; plus strand). Cytogenetic location: 14q24.3.
Variant type: single nucleotide variant.
Coding change: c.304G>T on transcript NM_194279.4 (MANE Select); coding-DNA position 304, G replaced by T.
Protein change: p.Gly102Cys; replaces glycine 102 with cysteine.
Molecular consequence: missense variant. On other transcripts: 3 prime UTR variant (1).
Genome position (GRCh38, 1-based): chr14:74,494,839, G>T. VCF-style: chr14-74494839-G-T. GRCh37 (hg19) VCF-style: chr14-74961542-G-T.
Other names: c.*5G>T (NM_001272007.2); short protein forms G102C.
Identifiers: ClinVar variation 2105402 (VCV002105402.4), dbSNP rs774966429, ClinGen allele CA390379928.